The following is an entry in ClinVar:

NM_020297.4(ABCC9):c.4004A>G (p.Tyr1335Cys)

Genes: ABCC9 (ATP binding cassette subfamily C member 9; minus strand), KCNJ8-AS1 (KCNJ8 antisense RNA 1; plus strand). Cytogenetic location: 12p12.1.
Variant type: single nucleotide variant.
Coding change: c.4004A>G on transcript NM_020297.4 (MANE Select); coding-DNA position 4004, A replaced by G.
Protein change: p.Tyr1335Cys; replaces tyrosine 1335 with cysteine.
Molecular consequence: missense variant.
Genome position (GRCh38, 1-based): chr12:21,815,782, T>C on the plus strand (A>G on the coding strand, the complement: ABCC9 is on the minus strand). VCF-style: chr12-21815782-T-C. GRCh37 (hg19) VCF-style: chr12-21968716-T-C.
Other names: c.4004A>G, p.Tyr1335Cys (NM_001377273.1, NM_005691.4); c.3137A>G, p.Tyr1046Cys (NM_001377274.1); short protein forms Y1046C, Y1335C.
Identifiers: ClinVar variation 4745797 (VCV004745797.1).

ClinVar aggregate classification (germline): Uncertain significance (1 of 4 stars; one submission).

Conditions:
Dilated cardiomyopathy 1O (CMD1O). Also called: CARDIOMYOPATHY, DILATED, WITH VENTRICULAR TACHYCARDIA. Identifiers: Orphanet 154, MedGen C1837839, MONDO:0012062, OMIM 608569.

Submission:

Labcorp Genetics (formerly Invitae), Labcorp
Classification: Uncertain significance for Dilated cardiomyopathy 1O. Last evaluated: 2026-01-31. Review status: criteria provided, single submitter. Criteria: Invitae Variant Classification Sherloc (09022015). Collection method: clinical testing. Allele origin: germline.
Comment: This sequence change replaces tyrosine, which is neutral and polar, with cysteine, which is neutral and slightly polar, at codon 1335 of the ABCC9 protein (p.Tyr1335Cys). This variant is not present in population databases (gnomAD no frequency). This variant has not been reported in the literature in individuals affected with ABCC9-related conditions. Invitae Evidence Modeling of protein sequence and biophysical properties (such as structural, functional, and spatial information, amino acid conservation, physicochemical variation, residue mobility, and thermodynamic stability) indicates that this missense variant is not expected to disrupt ABCC9 protein function with a negative predictive value of 80%. In summary, the available evidence is currently insufficient to determine the role of this variant in disease. Therefore, it has been classified as a Variant of Uncertain Significance.